The following is an entry in ClinVar:

NM_001267550.2(TTN):c.104579C>G (p.Ser34860Ter)

Genes: TTN (titin; minus strand), TTN-AS1 (TTN antisense RNA 1; plus strand). Cytogenetic location: 2q31.2.
Variant type: single nucleotide variant.
Coding change: c.104579C>G on transcript NM_001267550.2 (MANE Select); coding-DNA position 104579, C replaced by G.
Protein change: p.Ser34860Ter; replaces serine 34860 with a stop codon.
Molecular consequence: nonsense.
Genome position (GRCh38, 1-based): chr2:178,532,036, G>C on the plus strand (C>G on the coding strand, the complement: TTN is on the minus strand). VCF-style: chr2-178532036-G-C. GRCh37 (hg19) VCF-style: chr2-179396763-G-C.
Other names: c.99656C>G, p.Ser33219Ter (NM_001256850.1); c.77384C>G, p.Ser25795Ter (NM_003319.4); c.96875C>G, p.Ser32292Ter (NM_133378.4); c.77759C>G, p.Ser25920Ter (NM_133432.3); c.77960C>G, p.Ser25987Ter (NM_133437.4); short protein forms S25795*, S25920*, S25987*, S32292*, S33219*, S34860*.
Identifiers: ClinVar variation 3774074 (VCV003774074.2).

ClinVar aggregate classification (germline): Likely pathogenic (1 of 4 stars; one submission).

Submission:

GeneDx
Classification: Likely pathogenic. Last evaluated: 2025-05-15. Review status: criteria provided, single submitter. Criteria: GeneDx Variant Classification Process June 2021. Collection method: clinical testing. Allele origin: germline.
Comment: Nonsense variant predicted to result in protein truncation or nonsense mediated decay in a gene for which loss of function is a known mechanism of disease; Not observed at significant frequency in large population cohorts (gnomAD); Has not been previously published as pathogenic or benign to our knowledge; Located in the M-band, a region of TTN for which truncating variants are significantly associated with autosomal recessive skeletal myopathies and also with autosomal dominant cardiomyopathy (PMID: 17444505, 32778822, 36637017); This variant is associated with the following publications: (PMID: 32778822, 17444505, 36637017)